The following is an entry in ClinVar:

ClinVar aggregate classification (germline): Pathogenic. Review status: criteria provided, multiple submitters, no conflicts (2 of 4 stars). 5 submissions from 5 submitters: Pathogenic (4). 1 of the submissions does not count toward it. Last evaluated 2025-11-26.

Conditions:
Bardet-Biedl syndrome 10 (BBS10). Identifiers: Orphanet 110, MedGen C1859568, MONDO:0014438, OMIM 615987.
Bardet-Biedl syndrome (BBS). Identifiers: Orphanet 110, MedGen C0752166, MONDO:0015229.

Allele frequency attached by ClinVar (database versions not stated): ExAC 0.00001; TOPMed 0.00001.
gnomAD v4.1: 6 of 1,614,042 alleles (0.00037%); highest among the groups gnomAD compares: East Asian, 0.0045%; no homozygotes.

Submissions (5):

Labcorp Genetics (formerly Invitae), Labcorp
Classification: Pathogenic for Bardet-Biedl syndrome. Last evaluated: 2025-11-26. Review status: criteria provided, single submitter. Criteria: Invitae Variant Classification Sherloc (09022015). Collection method: clinical testing. Allele origin: germline.
Comment: This sequence change creates a premature translational stop signal (p.Ser464*) in the BBS10 gene. While this is not anticipated to result in nonsense mediated decay, it is expected to disrupt the last 260 amino acid(s) of the BBS10 protein. This variant is present in population databases (rs759682922, gnomAD 0.02%). This variant has not been reported in the literature in individuals affected with BBS10-related conditions. ClinVar contains an entry for this variant (Variation ID: 370512). Experimental studies and prediction algorithms are not available or were not evaluated, and the functional significance of this variant is currently unknown. This variant disrupts a region of the BBS10 protein in which other variant(s) (p.Val707*) have been determined to be pathogenic (PMID: 20472660, 22773737, 25982971, 27486776). This suggests that this is a clinically significant region of the protein, and that variants that disrupt it are likely to be disease-causing. For these reasons, this variant has been classified as Pathogenic.

Women's Health and Genetics/Laboratory Corporation of America, LabCorp
Classification: Pathogenic for Bardet-Biedl syndrome. Last evaluated: 2025-06-23. Review status: criteria provided, single submitter. Criteria: LabCorp Variant Classification Summary - May 2015. Collection method: clinical testing. Allele origin: germline.
Comment: Variant summary: BBS10 c.1391C>G (p.Ser464X) results in a premature termination codon, predicted to cause a truncation of the encoded protein or absence of the protein due to nonsense mediated decay, which are commonly known mechanisms for disease. The variant allele was found at a frequency of 1.2e-05 in 251346 control chromosomes. c.1391C>G has been observed in compound heterozygous state in individuals affected with Bardet-Biedl Syndrome or clinical features of Bardet-Biedl Syndrome (Tao_2022, Sakakibara_2022). These data indicate that the variant is likely associated with disease. To our knowledge, no experimental evidence demonstrating an impact on protein function has been reported. ClinVar contains an entry for this variant (Variation ID: 370512). The following publications have been ascertained in the context of this evaluation (PMID: 35140360, 36325687). Multiple downstream truncating variants have been classified as pathogenic or likey pathogenic by our own lab. Based on the evidence outlined above, the variant was classified as pathogenic.

Natera, Inc.
Classification: Pathogenic for Bardet-Biedl syndrome type 10. Last evaluated: 2025-04-30. Review status: criteria provided, single submitter. Criteria: Natera Variant Classification Schema (03/2026). Collection method: clinical testing. Allele origin: germline.
Comment: The c.1391C>G variant in BBS10 is a nonsense variant predicted to introduce a stop codon at amino acid 464. This variant is expected to result in nonsense mediated decay, truncation, or a dysfunctional protein product. This variant is rare in the general population with a frequency below the threshold expected for the associated phenotype(s). This variant has been observed in one or more individuals affected with the associated recessive disease, as either homozygous or compound heterozygous with a second variant (PMID: 36325687, 38034494). Given the available evidence, this variant is classified as Pathogenic.

Fulgent Genetics
Classification: Pathogenic for Bardet-Biedl syndrome 10. Last evaluated: 2024-01-30. Review status: criteria provided, single submitter. Criteria: ACMG Guidelines, 2015. Collection method: clinical testing. Allele origin: germline.

Counsyl
Classification: Likely pathogenic for Bardet-Biedl syndrome 10. Last evaluated: 2016-02-23. Review status: no assertion criteria provided. Collection method: clinical testing. Allele origin: unknown. Not counted in ClinVar's aggregate classification.

Literature cited by the submitters: PubMed 20472660 (cited by Labcorp Genetics (formerly Invitae), Labcorp); PubMed 22773737 (cited by Labcorp Genetics (formerly Invitae), Labcorp); PubMed 25982971 (cited by Labcorp Genetics (formerly Invitae), Labcorp); PubMed 27486776 (cited by Labcorp Genetics (formerly Invitae), Labcorp); PubMed 35140360 (cited by Women's Health and Genetics/Laboratory Corporation of America, LabCorp); PubMed 36325687 (cited by Women's Health and Genetics/Laboratory Corporation of America, LabCorp and Natera, Inc.); PubMed 38034494 (cited by Natera, Inc.).

NM_024685.4(BBS10):c.1391C>G (p.Ser464Ter)

Gene: BBS10 (Bardet-Biedl syndrome 10; minus strand). Cytogenetic location: 12q21.2.
Variant type: single nucleotide variant.
Coding change: c.1391C>G on transcript NM_024685.4 (MANE Select); coding-DNA position 1391, C replaced by G.
Protein change: p.Ser464Ter; replaces serine 464 with a stop codon.
Molecular consequence: nonsense.
Genome position (GRCh38, 1-based): chr12:76,346,594, G>C on the plus strand (C>G on the coding strand, the complement: BBS10 is on the minus strand). VCF-style: chr12-76346594-G-C. GRCh37 (hg19) VCF-style: chr12-76740374-G-C.
Other names: c.1391C>G, p.Ser464Ter (LRG_1255t1); short protein forms S464*.
Identifiers: ClinVar variation 370512 (VCV000370512.16), dbSNP rs759682922, ClinGen allele CA6694180.
Genomic context (GRCh38, chr12:76,346,594, plus strand): 5'-TGAGTTTTTTCCAATGCATCTTTGTTCTCTGCAACTGTGTCCTGATAAGGCCTTTGTATT[G>C]AGCCATTACCAGGATCTGGTGCTTGATAACTTTCTCCACTGTTCTTATAAATAAAAAGAC-3'